The following is an entry in ClinVar:

ClinVar aggregate classification (germline): Uncertain significance (1 of 4 stars; one submission).

Conditions:
Syndromic multisystem autoimmune disease due to ITCH deficiency. Also called: AUTOIMMUNE DISEASE, MULTISYSTEM, WITH FACIAL DYSMORPHISM. Identifiers: Orphanet 228426, MedGen C3150649, MONDO:0013245, OMIM 613385.

Allele frequency attached by ClinVar (database versions not stated): gnomAD exomes below 0.00001; gnomAD 0.00001; TOPMed 0.00002.
gnomAD v4.1: 7 of 1,613,146 alleles (0.00043%); highest among the groups gnomAD compares: Admixed American, 0.01%; no homozygotes.

Submission:

Labcorp Genetics (formerly Invitae), Labcorp
Classification: Uncertain significance for Syndromic multisystem autoimmune disease due to ITCH deficiency. Last evaluated: 2023-11-19. Review status: criteria provided, single submitter. Criteria: Invitae Variant Classification Sherloc (09022015). Collection method: clinical testing. Allele origin: germline.
Comment: This sequence change falls in intron 20 of the ITCH gene. It does not directly change the encoded amino acid sequence of the ITCH protein. It affects a nucleotide within the consensus splice site. This variant is not present in population databases (gnomAD no frequency). This variant has not been reported in the literature in individuals affected with ITCH-related conditions. ClinVar contains an entry for this variant (Variation ID: 1420170). Variants that disrupt the consensus splice site are a relatively common cause of aberrant splicing (PMID: 17576681, 9536098). Algorithms developed to predict the effect of sequence changes on RNA splicing suggest that this variant is not likely to affect RNA splicing. In summary, the available evidence is currently insufficient to determine the role of this variant in disease. Therefore, it has been classified as a Variant of Uncertain Significance.

Literature cited by the submitters: PubMed 17576681; PubMed 9536098.

NM_031483.7(ITCH):c.2093+4A>G

Gene: ITCH (itchy E3 ubiquitin protein ligase; plus strand). Cytogenetic location: 20q11.22.
Variant type: single nucleotide variant.
Coding change: c.2093+4A>G on transcript NM_031483.7 (MANE Select); 4 bases into the intron after coding-DNA position 2093, A replaced by G.
Molecular consequence: intron variant.
Genome position (GRCh38, 1-based): chr20:34,481,210, A>G. VCF-style: chr20-34481210-A-G. GRCh37 (hg19) VCF-style: chr20-33069015-A-G.
Other names: c.2216+4A>G (NM_001324197.2, NM_001257137.3); c.2093+4A>G (NM_001324198.2); c.1763+4A>G (NM_001257138.3).
Identifiers: ClinVar variation 1420170 (VCV001420170.4), dbSNP rs942515662, ClinGen allele CA313405393.
Genomic context (GRCh38, chr20:34,481,210, plus strand): 5'-GAAACCTAATGGTGGCAATATTCTTGTAACAGAAGAAAATAAAGAGGAATACATCAGGTG[A>G]GAGTGCTCCTTTTCACATTTCACTTTTTGTTTGACTACAGCACATTGATAATTGCTTACT-3'